The following is an entry in ClinVar:

NM_001364905.1(LRBA):c.3269C>G (p.Ala1090Gly)

Gene: LRBA (LPS responsive beige-like anchor protein; minus strand). Cytogenetic location: 4q31.3.
Variant type: single nucleotide variant.
Coding change: c.3269C>G on transcript NM_001364905.1 (MANE Select); coding-DNA position 3269, C replaced by G.
Protein change: p.Ala1090Gly; replaces alanine 1090 with glycine.
Molecular consequence: missense variant.
Genome position (GRCh38, 1-based): chr4:150,852,441, G>C on the plus strand (C>G on the coding strand, the complement: LRBA is on the minus strand). VCF-style: chr4-150852441-G-C. GRCh37 (hg19) VCF-style: chr4-151773593-G-C.
Other names: c.3269C>G, p.Ala1090Gly (NM_001199282.3, NM_001367550.1, NM_006726.5); short protein forms A1090G.
Identifiers: ClinVar variation 281585 (VCV000281585.27), dbSNP rs1782360, ClinGen allele CA3103073.

ClinVar aggregate classification (germline): Benign/Likely benign. Review status: criteria provided, multiple submitters, no conflicts (2 of 4 stars). 11 submissions from 11 submitters: Benign (7); Likely benign (2). 2 of the submissions do not count toward it. Last evaluated 2026-02-04.

Conditions:
Combined immunodeficiency due to LRBA deficiency. Also called: Common variable immunodeficiency 8, with autoimmunity. Identifiers: Orphanet 445018, MedGen C3553512, MONDO:0013863, OMIM 614700.

Allele frequency attached by ClinVar (database versions not stated): ESP Exome Variant Server 0.11427; gnomAD 0.12249 and 0.12638; gnomAD exomes 0.12393; TOPMed 0.12578; ExAC 0.12728; 1000 Genomes Project 30x 0.20284; 1000 Genomes Project 0.20308.
gnomAD v4.1: 135,533 of 1,612,950 alleles (8.4%); highest among the groups gnomAD compares: South Asian, 26%; 9,262 homozygotes.

Submissions (11):

Labcorp Genetics (formerly Invitae), Labcorp
Classification: Benign for Combined immunodeficiency due to LRBA deficiency. Last evaluated: 2026-02-04. Review status: criteria provided, single submitter. Criteria: Invitae Variant Classification Sherloc (09022015). Collection method: clinical testing. Allele origin: germline.

Women's Health and Genetics/Laboratory Corporation of America, LabCorp
Classification: Likely benign. Last evaluated: 2026-01-21. Review status: criteria provided, single submitter. Criteria: LabCorp Variant Classification Summary - May 2015. Collection method: clinical testing. Allele origin: germline.

Blueprint Genetics
Classification: Likely benign. Last evaluated: 2024-11-26. Review status: criteria provided, single submitter. Criteria: ACMG Guidelines, 2015. Collection method: clinical testing. Allele origin: germline.

Unidad de Genómica Garrahan, Hospital de Pediatría Garrahan
Classification: Benign. Last evaluated: 2023-11-12. Review status: criteria provided, single submitter. Criteria: ACMG Guidelines, 2015. Collection method: clinical testing. Allele origin: germline. Affected: no. Observed: 23 variant alleles.
Comment: This variant is classified as Benign based on local population frequency. This variant was detected in 24% of patients studied by a panel of primary immunodeficiencies. Number of patients: 23. Only high quality variants are reported.

GeneDx
Classification: Benign. Last evaluated: 2020-08-15. Review status: criteria provided, single submitter. Criteria: GeneDx Variant Classification Process June 2021. Collection method: clinical testing. Allele origin: germline. Affected: yes.

Mayo Clinic Laboratories, Mayo Clinic
Classification: Benign. Last evaluated: 2016-09-30. Review status: criteria provided, single submitter. Criteria: ACMG Guidelines, 2015. Collection method: clinical testing. Allele origin: germline. Observed: 202 variant alleles.

Laboratory for Molecular Medicine, Mass General Brigham Personalized Medicine
Classification: Benign. Last evaluated: 2016-03-29. Review status: criteria provided, single submitter. Criteria: LMM Criteria. Collection method: clinical testing. Allele origin: germline.
Comment: Variant identified in a genome or exome case(s) and assessed due to predicted null impact of the variant or pathogenic assertions in the literature or databases. Disclaimer: This variant has not undergone full assessment. The following are preliminary notes: Frequency

Eurofins Ntd Llc (ga)
Classification: Benign. Last evaluated: 2015-06-15. Review status: criteria provided, single submitter. Criteria: EGL Classification Definitions 2015. Collection method: clinical testing. Allele origin: germline. Observed: 1 variant allele, 1 heterozygote.

Breakthrough Genomics
Classification: Benign. Review status: criteria provided, single submitter. Criteria: ACMG Guidelines, 2015. Collection method: not provided. Allele origin: germline. Inheritance: Autosomal recessive inheritance. Affected: yes.

Diagnostic Laboratory, Department of Genetics, University Medical Center Groningen
Classification: Benign. Review status: no assertion criteria provided. Collection method: clinical testing. Allele origin: germline. Affected: yes. Study: VKGL Data-share Consensus. Not counted in ClinVar's aggregate classification.

Joint Genome Diagnostic Labs from Nijmegen and Maastricht, Radboudumc and MUMC+
Classification: Benign. Review status: no assertion criteria provided. Collection method: clinical testing. Allele origin: germline. Affected: yes. Study: VKGL Data-share Consensus. Not counted in ClinVar's aggregate classification.